The following is an entry in ClinVar:

NM_001128228.3(TPRN):c.47C>T (p.Pro16Leu)

Genes: TPRN (taperin; minus strand), LOC130003093 (ATAC-STARR-seq lymphoblastoid silent region 20590; plus strand). Cytogenetic location: 9q34.3.
Variant type: single nucleotide variant.
Coding change: c.47C>T on transcript NM_001128228.3 (MANE Select); coding-DNA position 47, C replaced by T.
Protein change: p.Pro16Leu; replaces proline 16 with leucine.
Molecular consequence: missense variant.
Genome position (GRCh38, 1-based): chr9:137,200,665, G>A on the plus strand (C>T on the coding strand, the complement: TPRN is on the minus strand). VCF-style: chr9-137200665-G-A. GRCh37 (hg19) VCF-style: chr9-140095117-G-A.
Other names: short protein forms P16L.
Identifiers: ClinVar variation 3809863 (VCV003809863.2).

ClinVar aggregate classification (germline): Uncertain significance. Review status: criteria provided, multiple submitters, no conflicts (2 of 4 stars). 2 submissions from 2 submitters: Uncertain significance (2). Last evaluated 2025-02-26.

Conditions:
Inborn genetic diseases. Identifiers: MedGen C0950123, MeSH D030342.

gnomAD v4.1: 5 of 1,237,472 alleles (0.0004%); highest among the groups gnomAD compares: Admixed American, 0.0034%; no homozygotes.

Submissions (2):

GeneDx
Classification: Uncertain significance. Last evaluated: 2025-02-26. Review status: criteria provided, single submitter. Criteria: GeneDx Variant Classification Process June 2021. Collection method: clinical testing. Allele origin: germline. Affected: yes.
Comment: Not observed at significant frequency in large population cohorts (gnomAD); In silico analysis supports that this missense variant has a deleterious effect on protein structure/function; Has not been previously published as pathogenic or benign to our knowledge

Ambry Genetics
Classification: Uncertain significance for Inborn genetic diseases. Last evaluated: 2025-01-24. Review status: criteria provided, single submitter. Criteria: Ambry Variant Classification Scheme 2023. Collection method: clinical testing. Allele origin: germline.